The following is an entry in ClinVar:

ClinVar aggregate classification (germline): Uncertain significance. Review status: criteria provided, multiple submitters, no conflicts (2 of 4 stars). 2 submissions from 2 submitters: Uncertain significance (2). Last evaluated 2024-11-04.

Conditions:
Inborn genetic diseases. Identifiers: MedGen C0950123, MeSH D030342.

Allele frequency attached by ClinVar (database versions not stated): gnomAD 0.00001; gnomAD exomes 0.00001; TOPMed 0.00002; ExAC 0.00007.
gnomAD v4.1: 17 of 1,611,268 alleles (0.0011%); highest among the groups gnomAD compares: East Asian, 0.018%; no homozygotes.

Submissions (2):

Labcorp Genetics (formerly Invitae), Labcorp
Classification: Uncertain significance. Last evaluated: 2024-11-04. Review status: criteria provided, single submitter. Criteria: Invitae Variant Classification Sherloc (09022015). Collection method: clinical testing. Allele origin: germline.
Comment: This sequence change replaces histidine, which is basic and polar, with arginine, which is basic and polar, at codon 178 of the WDR4 protein (p.His178Arg). This variant is present in population databases (rs781524711, gnomAD 0.04%). This variant has not been reported in the literature in individuals affected with WDR4-related conditions. ClinVar contains an entry for this variant (Variation ID: 2227395). Invitae Evidence Modeling of protein sequence and biophysical properties (such as structural, functional, and spatial information, amino acid conservation, physicochemical variation, residue mobility, and thermodynamic stability) indicates that this missense variant is expected to disrupt WDR4 protein function with a positive predictive value of 80%. In summary, the available evidence is currently insufficient to determine the role of this variant in disease. Therefore, it has been classified as a Variant of Uncertain Significance.

Ambry Genetics
Classification: Uncertain significance for Inborn genetic diseases. Last evaluated: 2021-12-01. Review status: criteria provided, single submitter. Criteria: Ambry Variant Classification Scheme 2023. Collection method: clinical testing. Allele origin: germline.

NM_018669.6(WDR4):c.533A>G (p.His178Arg)

Gene: WDR4 (WDR4 tRNA N7-guanosine methyltransferase non-catalytic subunit; minus strand). Cytogenetic location: 21q22.3.
Variant type: single nucleotide variant.
Coding change: c.533A>G on transcript NM_018669.6 (MANE Select); coding-DNA position 533, A replaced by G.
Protein change: p.His178Arg; replaces histidine 178 with arginine.
Molecular consequence: missense variant. On other transcripts: non-coding transcript variant (1).
Genome position (GRCh38, 1-based): chr21:42,862,315, T>C on the plus strand (A>G on the coding strand, the complement: WDR4 is on the minus strand). VCF-style: chr21-42862315-T-C. GRCh37 (hg19) VCF-style: chr21-44282425-T-C.
Other names: c.533A>G, p.His178Arg (NM_001260474.2, NM_033661.5); c.95A>G, p.His32Arg (NM_001260475.2, NM_001260476.2, NM_001260477.2 and 1 more transcripts); short protein forms H32R, H178R.
Identifiers: ClinVar variation 2227395 (VCV002227395.4), dbSNP rs781524711, ClinGen allele CA10046065.